The following is an entry in ClinVar:

NM_000969.5(RPL5):c.639del (p.Glu214fs)

Genes: DIPK1A (divergent protein kinase domain 1A; minus strand), RPL5 (ribosomal protein L5; plus strand). Cytogenetic location: 1p22.1.
Variant type: Deletion.
Coding change: c.639del on transcript NM_000969.5 (MANE Select); coding-DNA position 639, one base deleted (A; older notation c.639delA).
Protein change: p.Glu214fs; shifts the reading frame from glutamic acid 214.
Molecular consequence: frameshift variant. On other transcripts: non-coding transcript variant (1), intron variant (1).
Genome position (GRCh38, 1-based): chr1:92,837,567, A deleted; the last of 2 consecutive A bases (chr1:92,837,566-92,837,567); deleting either gives the same sequence. VCF-style (leftmost placement, unchanged base first): chr1-92837565-GA-G. GRCh37 (hg19) VCF-style: chr1-93303122-GA-G.
Other names: c.475-4532del (NM_001252273.2); short protein forms E214fs.
Identifiers: ClinVar variation 4735049 (VCV004735049.1).

ClinVar aggregate classification (germline): Pathogenic (1 of 4 stars; one submission).

Conditions:
Diamond-Blackfan anemia. Also called: Blackfan Diamond syndrome; Aregenerative anemia chronic congenital; Red cell aplasia, pure hereditary; Congenital hypoplastic anemia; Aase syndrome. Identifiers: Orphanet 124, MedGen C1260899, MeSH D029503, MONDO:0015253, HP:0004810.

Submission:

Labcorp Genetics (formerly Invitae), Labcorp
Classification: Pathogenic for Diamond-Blackfan anemia. Last evaluated: 2026-01-12. Review status: criteria provided, single submitter. Criteria: Invitae Variant Classification Sherloc (09022015). Collection method: clinical testing. Allele origin: germline.
Comment: This sequence change creates a premature translational stop signal (p.Glu214Lysfs*14) in the RPL5 gene. It is expected to result in an absent or disrupted protein product. Loss-of-function variants in RPL5 are known to be pathogenic (PMID: 19061985, 19773262). This variant is not present in population databases (gnomAD no frequency). This variant has not been reported in the literature in individuals affected with RPL5-related conditions. For these reasons, this variant has been classified as Pathogenic.

Literature cited by the submitters: PubMed 19061985; PubMed 19773262.